The following is an entry in ClinVar:

NM_004423.4(DVL3):c.470G>T (p.Arg157Leu)

Gene: DVL3 (dishevelled segment polarity protein 3; plus strand). Cytogenetic location: 3q27.1.
Variant type: single nucleotide variant.
Coding change: c.470G>T on transcript NM_004423.4 (MANE Select); coding-DNA position 470, G replaced by T.
Protein change: p.Arg157Leu; replaces arginine 157 with leucine.
Molecular consequence: missense variant.
Genome position (GRCh38, 1-based): chr3:184,164,802, G>T. VCF-style: chr3-184164802-G-T. GRCh37 (hg19) VCF-style: chr3-183882590-G-T.
Other names: short protein forms R157L.
Identifiers: ClinVar variation 1008276 (VCV001008276.5), dbSNP rs146549809, ClinGen allele CA2727113.

ClinVar aggregate classification (germline): Uncertain significance (1 of 4 stars; one submission).

Allele frequency attached by ClinVar (database versions not stated): TOPMed 0.00005.

Submission:

Labcorp Genetics (formerly Invitae), Labcorp
Classification: Uncertain significance. Last evaluated: 2025-06-08. Review status: criteria provided, single submitter. Criteria: Invitae Variant Classification Sherloc (09022015). Collection method: clinical testing. Allele origin: germline.
Comment: This sequence change replaces arginine, which is basic and polar, with leucine, which is neutral and non-polar, at codon 157 of the DVL3 protein (p.Arg157Leu). This variant is present in population databases (rs146549809, gnomAD 0.03%). This variant has not been reported in the literature in individuals affected with DVL3-related conditions. ClinVar contains an entry for this variant (Variation ID: 1008276). Invitae Evidence Modeling of protein sequence and biophysical properties (such as structural, functional, and spatial information, amino acid conservation, physicochemical variation, residue mobility, and thermodynamic stability) indicates that this missense variant is not expected to disrupt DVL3 protein function with a negative predictive value of 80%. In summary, the available evidence is currently insufficient to determine the role of this variant in disease. Therefore, it has been classified as a Variant of Uncertain Significance.